The following is an entry in ClinVar:

ClinVar aggregate classification (germline): Uncertain significance (1 of 4 stars; one submission).

Conditions:
Polyhydramnios, megalencephaly, and symptomatic epilepsy (PMSE). Also called: PMSE SYNDROME. Identifiers: Orphanet 500533, MedGen C1970203, MONDO:0012611, OMIM 611087.

Allele frequency attached by ClinVar (database versions not stated): gnomAD exomes 0.00001 and 0.00004; TOPMed 0.00001; ExAC 0.00004; gnomAD 0.00004; 1000 Genomes Project 30x 0.00016; 1000 Genomes Project 0.00020.
gnomAD v4.1: 19 of 1,614,050 alleles (0.0012%); highest among the groups gnomAD compares: South Asian, 0.013%; no homozygotes.

Submission:

Labcorp Genetics (formerly Invitae), Labcorp
Classification: Uncertain significance for Polyhydramnios, megalencephaly, and symptomatic epilepsy. Last evaluated: 2021-08-28. Review status: criteria provided, single submitter. Criteria: Invitae Variant Classification Sherloc (09022015). Collection method: clinical testing. Allele origin: germline.
Comment: This sequence change replaces alanine with valine at codon 155 of the STRADA protein (p.Ala155Val). The alanine residue is moderately conserved and there is a small physicochemical difference between alanine and valine. This variant is present in population databases (rs575363693, ExAC 0.02%). This variant has not been reported in the literature in individuals affected with STRADA-related conditions. Algorithms developed to predict the effect of missense changes on protein structure and function are either unavailable or do not agree on the potential impact of this missense change (SIFT: "Tolerated"; PolyPhen-2: "Probably Damaging"; Align-GVGD: "Class C0"). In summary, the available evidence is currently insufficient to determine the role of this variant in disease. Therefore, it has been classified as a Variant of Uncertain Significance.

NM_001003787.4(STRADA):c.464C>T (p.Ala155Val)

Genes: STRADA (STE20 related adaptor alpha; minus strand), LOC125312417 (Sharpr-MPRA regulatory region 9817; plus strand). Cytogenetic location: 17q23.3.
Variant type: single nucleotide variant.
Coding change: c.464C>T on transcript NM_001003787.4 (MANE Select); coding-DNA position 464, C replaced by T.
Protein change: p.Ala155Val; replaces alanine 155 with valine.
Molecular consequence: missense variant. On other transcripts: non-coding transcript variant (1).
Genome position (GRCh38, 1-based): chr17:63,710,608, G>A on the plus strand (C>T on the coding strand, the complement: STRADA is on the minus strand). VCF-style: chr17-63710608-G-A. GRCh37 (hg19) VCF-style: chr17-61787968-G-A.
Other names: c.353C>T, p.Ala118Val (NM_001003786.3, NM_001363789.1, NM_153335.6); c.290C>T, p.Ala97Val (NM_001003788.3, NM_001363790.1, NM_001363791.1); c.377C>T, p.Ala126Val (NM_001165969.2, NM_001363787.1); c.332C>T, p.Ala111Val (NM_001165970.2); c.440C>T, p.Ala147Val (NM_001363786.1); c.464C>T, p.Ala155Val (NM_001363788.1); short protein forms A97V, A111V, A126V, A118V, A147V, A155V.
Identifiers: ClinVar variation 658171 (VCV000658171.6), dbSNP rs575363693, ClinGen allele CA8703377.